The following is an entry in ClinVar:

ClinVar aggregate classification (germline): Uncertain significance. Review status: criteria provided, multiple submitters, no conflicts (2 of 4 stars). 2 submissions from 2 submitters: Uncertain significance (2). Last evaluated 2024-08-29.

Submissions (2):

GeneDx
Classification: Uncertain significance. Last evaluated: 2024-08-29. Review status: criteria provided, single submitter. Criteria: GeneDx Variant Classification Process June 2021. Collection method: clinical testing. Allele origin: germline. Affected: yes.
Comment: Not observed at significant frequency in large population cohorts (gnomAD); In silico analysis supports that this missense variant has a deleterious effect on protein structure/function; Has not been previously published as pathogenic or benign to our knowledge; This variant is associated with the following publications: (PMID: 12453420)

Athena Diagnostics
Classification: Uncertain significance. Last evaluated: 2024-04-17. Review status: criteria provided, single submitter. Criteria: Athena Diagnostics Criteria. Collection method: clinical testing. Allele origin: unknown.
Comment: Available data are insufficient to determine the clinical significance of the variant at this time. This variant has not been reported in large, multi-ethnic general populations. At least one other missense variant at this codon is considered to be pathogenic or likely pathogenic, suggesting this variant may also cause disease. Computational tools predict that this variant is damaging.

NM_000545.8(HNF1A):c.599G>T (p.Arg200Leu)

Gene: HNF1A (HNF1 homeobox A; plus strand). Cytogenetic location: 12q24.31.
Variant type: single nucleotide variant.
Coding change: c.599G>T on transcript NM_000545.8 (MANE Select); coding-DNA position 599, G replaced by T.
Protein change: p.Arg200Leu; replaces arginine 200 with leucine.
Molecular consequence: missense variant.
Genome position (GRCh38, 1-based): chr12:120,993,592, G>T. VCF-style: chr12-120993592-G-T. GRCh37 (hg19) VCF-style: chr12-121431395-G-T.
Other names: c.599G>T, p.Arg200Leu (NM_001306179.2, NM_001406915.1); short protein forms R200L.
Identifiers: ClinVar variation 3571668 (VCV003571668.2).